The following is an entry in ClinVar:

ClinVar aggregate classification (germline): Pathogenic (1 of 4 stars; one submission).

Conditions:
Hyperekplexia 3 (HKPX3). Also called: HYPEREKPLEXIA 3, AUTOSOMAL RECESSIVE; HYPEREKPLEXIA 3, AUTOSOMAL DOMINANT. Identifiers: Orphanet 3197, MedGen C3553288, MONDO:0013827, OMIM 614618.

Allele frequency attached by ClinVar (database versions not stated): gnomAD exomes below 0.00001; ExAC 0.00001.
gnomAD v4.1: 3 of 1,613,124 alleles (0.00019%); highest among the groups gnomAD compares: South Asian, 0.0011%; no homozygotes.

Submission:

Labcorp Genetics (formerly Invitae), Labcorp
Classification: Pathogenic for Hyperekplexia 3. Last evaluated: 2024-05-19. Review status: criteria provided, single submitter. Criteria: Invitae Variant Classification Sherloc (09022015). Collection method: clinical testing. Allele origin: germline.
Comment: This sequence change creates a premature translational stop signal (p.Gln270*) in the SLC6A5 gene. It is expected to result in an absent or disrupted protein product. Loss-of-function variants in SLC6A5 are known to be pathogenic (PMID: 14622583, 16751771, 22700964). This variant is present in population databases (rs778603956, gnomAD 0.003%). This variant has not been reported in the literature in individuals affected with SLC6A5-related conditions. ClinVar contains an entry for this variant (Variation ID: 658045). For these reasons, this variant has been classified as Pathogenic.

Literature cited by the submitters: PubMed 14622583; PubMed 16751771; PubMed 22700964.

NM_004211.5(SLC6A5):c.808C>T (p.Gln270Ter)

Gene: SLC6A5 (solute carrier family 6 member 5; plus strand). Cytogenetic location: 11p15.1.
Variant type: single nucleotide variant.
Coding change: c.808C>T on transcript NM_004211.5 (MANE Select); coding-DNA position 808, C replaced by T.
Protein change: p.Gln270Ter; replaces glutamine 270 with a stop codon.
Molecular consequence: nonsense.
Genome position (GRCh38, 1-based): chr11:20,607,135, C>T. VCF-style: chr11-20607135-C-T. GRCh37 (hg19) VCF-style: chr11-20628681-C-T.
Other names: c.106C>T, p.Gln36Ter (NM_001318369.2); short protein forms Q270*, Q36*.
Identifiers: ClinVar variation 658045 (VCV000658045.6), dbSNP rs778603956, ClinGen allele CA5921204.